The following is an entry in ClinVar:

NM_001370259.2(MEN1):c.344G>A (p.Arg115His)

Gene: MEN1 (menin 1; minus strand). Cytogenetic location: 11q13.1.
Variant type: single nucleotide variant.
Coding change: c.344G>A on transcript NM_001370259.2 (MANE Select); coding-DNA position 344, G replaced by A.
Protein change: p.Arg115His; replaces arginine 115 with histidine.
Molecular consequence: missense variant.
Genome position (GRCh38, 1-based): chr11:64,809,766, C>T on the plus strand (G>A on the coding strand, the complement: MEN1 is on the minus strand). VCF-style: chr11-64809766-C-T. GRCh37 (hg19) VCF-style: chr11-64577238-C-T.
Other names: c.344G>A, p.Arg115His (NM_000244.4, NM_001370251.2, NM_001370260.2 and 9 more transcripts); short protein forms R115H.
Identifiers: ClinVar variation 428047 (VCV000428047.18), dbSNP rs1114167507, ClinGen allele CA381187365.

ClinVar aggregate classification (germline): Uncertain significance. Review status: criteria provided, multiple submitters, no conflicts (2 of 4 stars). 6 submissions from 6 submitters: Uncertain significance (6). Last evaluated 2025-10-28.

Conditions:
Hereditary cancer-predisposing syndrome. Also called: Hereditary neoplastic syndrome; Tumor predisposition; Neoplastic Syndromes, Hereditary; Hereditary Cancer Syndrome. Identifiers: Orphanet 140162, MedGen C0027672, MeSH D009386, MONDO:0015356.
Multiple endocrine neoplasia, type 1 (MEN1). Also called: MEN I; Endocrine adenomatosis multiple; MEN 1; WERMER SYNDROME; MEA I. Identifiers: Orphanet 652, MedGen C0025267, MeSH D018761, MONDO:0007540, OMIM 131100.

Allele frequency attached by ClinVar (database versions not stated): gnomAD exomes below 0.00001; TOPMed below 0.00001; gnomAD 0.00001.
gnomAD v4.1: 6 of 1,613,990 alleles (0.00037%); highest among the groups gnomAD compares: Non-Finnish European, 0.00042%; no homozygotes.

Submissions (6):

Labcorp Genetics (formerly Invitae), Labcorp
Classification: Uncertain significance for Multiple endocrine neoplasia, type 1. Last evaluated: 2025-10-28. Review status: criteria provided, single submitter. Criteria: Invitae Variant Classification Sherloc (09022015). Collection method: clinical testing. Allele origin: germline.
Comment: This sequence change replaces arginine, which is basic and polar, with histidine, which is basic and polar, at codon 115 of the MEN1 protein (p.Arg115His). This variant is not present in population databases (gnomAD no frequency). This missense change has been observed in individual(s) with hereditary breast and/or ovarian cancer (PMID: 31159747). ClinVar contains an entry for this variant (Variation ID: 428047). Invitae Evidence Modeling of protein sequence and biophysical properties (such as structural, functional, and spatial information, amino acid conservation, physicochemical variation, residue mobility, and thermodynamic stability) indicates that this missense variant is expected to disrupt MEN1 protein function with a positive predictive value of 95%. In summary, the available evidence is currently insufficient to determine the role of this variant in disease. Therefore, it has been classified as a Variant of Uncertain Significance.

Color Diagnostics, LLC DBA Color Health
Classification: Uncertain significance for Multiple endocrine neoplasia, type 1. Last evaluated: 2025-07-29. Review status: criteria provided, single submitter. Criteria: ACMG Guidelines, 2015. Collection method: clinical testing. Allele origin: germline.
Comment: This missense variant replaces arginine with histidine at codon 115 of the MEN1 protein. Computational prediction suggests that this variant may have deleterious impact on protein structure and function. To our knowledge, functional studies have not been reported for this variant. This variant has not been reported in individuals affected with MEN1-related disorders in the literature. This variant has not been identified in the general population by the Genome Aggregation Database (gnomAD). The available evidence is insufficient to determine the role of this variant in disease conclusively. Therefore, this variant is classified as a Variant of Uncertain Significance.

Ambry Genetics
Classification: Uncertain significance for Hereditary cancer-predisposing syndrome. Last evaluated: 2025-01-16. Review status: criteria provided, single submitter. Criteria: Ambry Variant Classification Scheme 2023. Collection method: clinical testing. Allele origin: germline.
Comment: The p.R115H variant (also known as c.344G>A) is located in coding exon 1 of the MEN1 gene. This alteration results from a G to A substitution at nucleotide position 344. The arginine at codon 115 is replaced by histidine, an amino acid with some highly similar properties. This amino acid position is highly conserved in available vertebrate species. In addition, this alteration is predicted to be deleterious by in silico analysis. Since supporting evidence is limited at this time, the clinical significance of p.R115H remains unclear.

Baylor Genetics
Classification: Uncertain significance for Multiple Endocrine Neoplasia Type 1. Last evaluated: 2023-05-22. Review status: criteria provided, single submitter. Criteria: ACMG Guidelines, 2015. Collection method: clinical testing. Allele origin: unknown.

GeneDx
Classification: Uncertain significance. Last evaluated: 2020-08-10. Review status: criteria provided, single submitter. Criteria: GeneDx Variant Classification Process June 2021. Collection method: clinical testing. Allele origin: germline. Affected: yes.
Comment: Not observed in large population cohorts (Lek et al., 2016); In silico analysis supports that this missense variant has a deleterious effect on protein structure/function; Observed in an individual referred for hereditary cancer testing (Tsaousis 2019); This variant is associated with the following publications: (PMID: 31159747)

GeneKor MSA
Classification: Uncertain significance for Hereditary cancer-predisposing syndrome. Last evaluated: 2018-08-01. Review status: criteria provided, single submitter. Criteria: ACMG Guidelines, 2015. Collection method: clinical testing. Allele origin: germline. Affected: yes.

Literature cited by the submitters: PubMed 31159747 (cited by Labcorp Genetics (formerly Invitae), Labcorp).